The following is an entry in ClinVar:

NM_001097579.2(GPR34):c.884A>G (p.Asn295Ser)

Genes: CASK (calcium/calmodulin dependent serine protein kinase; minus strand), GPR34 (G protein-coupled receptor 34; plus strand). Cytogenetic location: Xp11.4.
Variant type: single nucleotide variant.
Coding change: c.884A>G on transcript NM_001097579.2 (MANE Select); coding-DNA position 884, A replaced by G.
Protein change: p.Asn295Ser; replaces asparagine 295 with serine.
Molecular consequence: missense variant. On other transcripts: intron variant (5).
Genome position (GRCh38, 1-based): chrX:41,696,517, A>G. VCF-style: chrX-41696517-A-G. GRCh37 (hg19) VCF-style: chrX-41555770-A-G.
Other names: c.884A>G, p.Asn295Ser (NM_005300.4); c.430-24987T>C (NM_001126055.3, NM_001410745.1, NM_001126054.3 and 2 more transcripts); short protein forms N295S.
Identifiers: ClinVar variation 235298 (VCV000235298.8), dbSNP rs61746390, ClinGen allele CA10390455.

ClinVar aggregate classification (germline): Benign/Likely benign. Review status: criteria provided, multiple submitters, no conflicts (2 of 4 stars). 3 submissions from 3 submitters: Benign (1); Likely benign (2). Last evaluated 2019-12-31.

Allele frequency attached by ClinVar (database versions not stated): gnomAD exomes 0.00190 and 0.00530; ExAC 0.00663; gnomAD 0.01744 and 0.01840; TOPMed 0.02138; ESP Exome Variant Server 0.02187; 1000 Genomes Project 0.02278; 1000 Genomes Project 30x 0.02373.
gnomAD v4.1: 4,156 of 1,207,802 alleles (0.34%); highest among the groups gnomAD compares: African/African-American, 6.1%; 88 homozygotes.

Submissions (3):

Labcorp Genetics (formerly Invitae), Labcorp
Classification: Benign. Last evaluated: 2019-12-31. Review status: criteria provided, single submitter. Criteria: Invitae Variant Classification Sherloc (09022015). Collection method: clinical testing. Allele origin: germline.

Center for Pediatric Genomic Medicine, Children's Mercy Hospital and Clinics
Classification: Likely benign. Last evaluated: 2015-10-28. Review status: criteria provided, single submitter. Criteria: ACMG Guidelines, 2015. Collection method: clinical testing. Allele origin: germline.
ClinVar note: Converted during submission from Likely Benign to Likely benign.

Breakthrough Genomics
Classification: Likely benign. Review status: criteria provided, single submitter. Criteria: ACMG Guidelines, 2015. Collection method: not provided. Allele origin: germline. Inheritance: Unknown mechanism. Affected: yes.